The following is an entry in ClinVar:

ClinVar aggregate classification (germline): Uncertain significance (1 of 4 stars; one submission).

gnomAD v4.1: 5 of 1,143,525 alleles (0.00044%); highest among the groups gnomAD compares: African/African-American, 0.0018%; no homozygotes.

Submission:

Labcorp Genetics (formerly Invitae), Labcorp
Classification: Uncertain significance. Last evaluated: 2025-05-19. Review status: criteria provided, single submitter. Criteria: Invitae Variant Classification Sherloc (09022015). Collection method: clinical testing. Allele origin: germline.
Comment: This sequence change creates a premature translational stop signal (p.Ser664*) in the SH3KBP1 gene. While this is not anticipated to result in nonsense mediated decay, it is expected to disrupt the last 2 amino acid(s) of the SH3KBP1 protein. This variant is not present in population databases (gnomAD no frequency). This variant has not been reported in the literature in individuals affected with SH3KBP1-related conditions. ClinVar contains an entry for this variant (Variation ID: 3621269). Experimental studies and prediction algorithms are not available or were not evaluated, and the functional significance of this variant is currently unknown. In summary, the available evidence is currently insufficient to determine the role of this variant in disease. Therefore, it has been classified as a Variant of Uncertain Significance.

NM_031892.3(SH3KBP1):c.1991C>G (p.Ser664Ter)

Gene: SH3KBP1 (SH3 domain containing kinase binding protein 1; minus strand). Cytogenetic location: Xp22.12.
Variant type: single nucleotide variant.
Coding change: c.1991C>G on transcript NM_031892.3 (MANE Select); coding-DNA position 1991, C replaced by G.
Protein change: p.Ser664Ter; replaces serine 664 with a stop codon.
Molecular consequence: nonsense.
Genome position (GRCh38, 1-based): chrX:19,536,424, G>C on the plus strand (C>G on the coding strand, the complement: SH3KBP1 is on the minus strand). VCF-style: chrX-19536424-G-C. GRCh37 (hg19) VCF-style: chrX-19554542-G-C.
Other names: c.1889C>G, p.Ser630Ter (NM_001353893.2); c.1760C>G, p.Ser587Ter (NM_001353894.2); c.1817C>G, p.Ser606Ter (NM_001353895.2); c.1148C>G, p.Ser383Ter (NM_001353897.2); c.2123C>G, p.Ser708Ter (NM_001410756.1); c.1994C>G, p.Ser665Ter (NM_001410757.1); c.1685C>G, p.Ser562Ter (NM_001410758.1); c.1880C>G, p.Ser627Ter (NM_001024666.3); and 4 more; short protein forms S383*, S426*, S562*, S587*, S606*, S621*, S627*, S630*.
Identifiers: ClinVar variation 3621269 (VCV003621269.2).